The following is an entry in ClinVar:

NM_001035.3(RYR2):c.8798T>G (p.Val2933Gly)

Gene: RYR2 (ryanodine receptor 2; plus strand). Cytogenetic location: 1q43.
Variant type: single nucleotide variant.
Coding change: c.8798T>G on transcript NM_001035.3 (MANE Select); coding-DNA position 8798, T replaced by G.
Protein change: p.Val2933Gly; replaces valine 2933 with glycine.
Molecular consequence: missense variant.
Genome position (GRCh38, 1-based): chr1:237,674,814, T>G. VCF-style: chr1-237674814-T-G. GRCh37 (hg19) VCF-style: chr1-237838114-T-G.
Other names: p.Val2933Gly; c.8798T>G, p.Val2933Gly (LRG_402t1); short protein forms V2933G.
Identifiers: ClinVar variation 404201 (VCV000404201.66), dbSNP rs550691734, ClinGen allele CA087727.

ClinVar aggregate classification (germline): Conflicting classifications of pathogenicity. Review status: criteria provided, conflicting classifications (1 of 4 stars). 9 submissions from 9 submitters: Uncertain significance (4); Likely benign (5). Last evaluated 2026-01-16.

Conditions:
RYR2-related disorder. Also called: RYR2-related condition.
Cardiovascular phenotype. Identifiers: MedGen CN230736.
Catecholaminergic polymorphic ventricular tachycardia (CVPT). Also called: Catecholamine-induced polymorphic ventricular tachycardia. Identifiers: Orphanet 3286, MedGen C5574922, MONDO:0017990.
Cardiomyopathy (CMYO). Also called: Cardiomyopathies. Identifiers: Orphanet 167848, MedGen C0878544, MONDO:0004994, HP:0001638. Inheritance: Various modes of inheritance.
Catecholaminergic polymorphic ventricular tachycardia 1. Also called: VENTRICULAR TACHYCARDIA, CATECHOLAMINERGIC POLYMORPHIC, 1, WITH OR WITHOUT ATRIAL DYSFUNCTION AND/OR DILATED CARDIOMYOPATHY; VENTRICULAR TACHYCARDIA, STRESS-INDUCED POLYMORPHIC 1; RYR2-Related Catecholaminergic Polymorphic Ventricular Tachycardia. Identifiers: Orphanet 3286, MedGen C1631597, MONDO:0011484, OMIM 604772.

Allele frequency attached by ClinVar (database versions not stated): gnomAD 0.00002 and 0.00005; TOPMed 0.00003; gnomAD exomes 0.00005 and 0.00015; 1000 Genomes Project 30x 0.00016; ExAC 0.00018; 1000 Genomes Project 0.00020.
gnomAD v4.1: 84 of 1,609,840 alleles (0.0052%); highest among the groups gnomAD compares: Middle Eastern, 0.066%; no homozygotes.

Submissions (9):

Labcorp Genetics (formerly Invitae), Labcorp
Classification: Likely benign for Catecholaminergic polymorphic ventricular tachycardia 1. Last evaluated: 2026-01-16. Review status: criteria provided, single submitter. Criteria: Invitae Variant Classification Sherloc (09022015). Collection method: clinical testing. Allele origin: germline.

Mayo Clinic Laboratories, Mayo Clinic
Classification: Uncertain significance. Last evaluated: 2025-09-29. Review status: criteria provided, single submitter. Criteria: ACMG Guidelines, 2015. Collection method: clinical testing. Allele origin: germline. Observed: 1 variant allele.
Comment: BS1, PP2, PP3_moderate

Women's Health and Genetics/Laboratory Corporation of America, LabCorp
Classification: Likely benign. Last evaluated: 2025-06-13. Review status: criteria provided, single submitter. Criteria: LabCorp Variant Classification Summary - May 2015. Collection method: clinical testing. Allele origin: germline.
Comment: Variant summary: RYR2 c.8798T>G (p.Val2933Gly) results in a non-conservative amino acid change in the encoded protein sequence. Algorithms developed to predict the effect of missense changes on protein structure and function all suggest that this variant is likely to be disruptive. The variant allele was found at a frequency of 0.00015 in 248540 control chromosomes. The observed variant frequency is approximately 4.33 fold of the estimated maximal expected allele frequency for a pathogenic variant in RYR2 causing Catecholaminergic Polymorphic Ventricular Tachycardia phenotype (3.4e-05). To our knowledge, no occurrence of c.8798T>G in individuals affected with Catecholaminergic Polymorphic Ventricular Tachycardia and no experimental evidence demonstrating its impact on protein function have been reported. ClinVar contains an entry for this variant (Variation ID: 404201). Based on the evidence outlined above, the variant was classified as likely benign.

Color Diagnostics, LLC DBA Color Health
Classification: Likely benign for Cardiomyopathy. Last evaluated: 2025-06-12. Review status: criteria provided, single submitter. Criteria: ACMG Guidelines, 2015. Collection method: clinical testing. Allele origin: germline.

PreventionGenetics, part of Exact Sciences
Classification: Likely benign for RYR2-related condition. Last evaluated: 2025-06-04. Review status: criteria provided, single submitter. Criteria: ACMG Guidelines, 2015. Collection method: clinical testing. Allele origin: germline.
Comment: This variant is classified as likely benign based on ACMG/AMP sequence variant interpretation guidelines (Richards et al. 2015 PMID: 25741868, with internal and published modifications).

Blueprint Genetics
Classification: Uncertain significance. Last evaluated: 2024-10-17. Review status: criteria provided, single submitter. Criteria: ACMG Guidelines, 2015. Collection method: clinical testing. Allele origin: germline.

All of Us Research Program, National Institutes of Health
Classification: Uncertain significance for Catecholaminergic polymorphic ventricular tachycardia. Last evaluated: 2024-08-06. Review status: criteria provided, single submitter. Criteria: ACMG Guidelines, 2015. Collection method: clinical testing. Allele origin: germline. Inheritance: Autosomal dominant inheritance. Observed: 14 variant alleles, 14 heterozygotes.
Comment: This missense variant replaces valine with glycine at codon 2933 of the RYR2 protein. Computational prediction suggests that this variant may have deleterious impact on protein structure and function (internally defined REVEL score threshold >= 0.7, PMID: 27666373). To our knowledge, functional studies have not been reported for this variant. This variant has not been reported in individuals affected with cardiovascular disorders in the literature. This variant has been identified in 38/279924 chromosomes in the general population by the Genome Aggregation Database (gnomAD). The available evidence is insufficient to determine the role of this variant in disease conclusively. Therefore, this variant is classified as a Variant of Uncertain Significance.

This study involves interpretation of variants in research participants for the purpose of population health screening. Participant phenotype was not available at the time of variant classification. Additional details can be found in publication PMID: 35346344, PMCID: PMC8962531

GeneDx
Classification: Uncertain significance. Last evaluated: 2024-07-17. Review status: criteria provided, single submitter. Criteria: GeneDx Variant Classification Process June 2021. Collection method: clinical testing. Allele origin: germline. Affected: yes.
Comment: Reported in association with sudden cardiac arrest, however, detailed clinical information was not provided (PMID: 29884292); In silico analysis supports that this missense variant has a deleterious effect on protein structure/function; Not located in one of the three hot-spot regions of the RYR2 gene, where the majority of pathogenic missense variants occur (PMID: 19926015); This variant is associated with the following publications: (PMID: 29884292, 19926015)

Ambry Genetics
Classification: Likely benign for Cardiovascular phenotype. Last evaluated: 2021-06-30. Review status: criteria provided, single submitter. Criteria: Ambry Variant Classification Scheme 2023. Collection method: clinical testing. Allele origin: germline.